The following is an entry in ClinVar:

NM_006757.4(TNNT3):c.34C>G (p.Gln12Glu)

Gene: TNNT3 (troponin T3, fast skeletal type; plus strand). Cytogenetic location: 11p15.5.
Variant type: single nucleotide variant.
Coding change: c.34C>G on transcript NM_006757.4 (MANE Select); coding-DNA position 34, C replaced by G.
Protein change: p.Gln12Glu; replaces glutamine 12 with glutamic acid.
Molecular consequence: missense variant. On other transcripts: intron variant (3).
Genome position (GRCh38, 1-based): chr11:1,923,557, C>G. VCF-style: chr11-1923557-C-G. GRCh37 (hg19) VCF-style: chr11-1944787-C-G.
Other names: c.34C>G, p.Gln12Glu (NM_001367844.1, NM_001367845.1, NM_001367846.1 and 10 more transcripts); c.-99+666C>G (NM_001367851.1); c.31+496C>G (NM_001367849.1); c.-117+666C>G (NM_001367852.1); c.34C>G (NM_006757.3); short protein forms Q12E.
Identifiers: ClinVar variation 3722415 (VCV003722415.3).

ClinVar aggregate classification (germline): Uncertain significance. Review status: criteria provided, multiple submitters, no conflicts (2 of 4 stars). 2 submissions from 2 submitters: Uncertain significance (2). Last evaluated 2025-05-01.

gnomAD v4.1: 1 of 1,614,002 alleles (0.000062%); highest among the groups gnomAD compares: South Asian, 0.0011%; no homozygotes.

Submissions (2):

GeneDx
Classification: Uncertain significance. Last evaluated: 2025-05-01. Review status: criteria provided, single submitter. Criteria: GeneDx Variant Classification Process June 2021. Collection method: clinical testing. Allele origin: germline. Affected: yes.
Comment: Not observed at significant frequency in large population cohorts (gnomAD); In silico analysis indicates that this missense variant does not alter protein structure/function; Has not been previously published as pathogenic or benign to our knowledge

Labcorp Genetics (formerly Invitae), Labcorp
Classification: Uncertain significance. Last evaluated: 2024-12-04. Review status: criteria provided, single submitter. Criteria: Invitae Variant Classification Sherloc (09022015). Collection method: clinical testing. Allele origin: germline.
Comment: This sequence change replaces glutamine, which is neutral and polar, with glutamic acid, which is acidic and polar, at codon 12 of the TNNT3 protein (p.Gln12Glu). This variant is not present in population databases (gnomAD no frequency). This variant has not been reported in the literature in individuals affected with TNNT3-related conditions. An algorithm developed to predict the effect of missense changes on protein structure and function outputs the following: PolyPhen-2: "Not Available". The glutamic acid amino acid residue is found in multiple mammalian species, which suggests that this missense change does not adversely affect protein function. In summary, the available evidence is currently insufficient to determine the role of this variant in disease. Therefore, it has been classified as a Variant of Uncertain Significance.